The following is an entry in ClinVar:

ClinVar aggregate classification (germline): Likely benign. Review status: criteria provided, single submitter (1 of 4 stars). 2 submissions from 2 submitters: Likely benign (1). 1 of the submissions does not count toward it. Last evaluated 2023-12-04.

Conditions:
LEPR-related disorder. Also called: LEPR-related disorders; LEPR-related condition.
Inborn genetic diseases. Identifiers: MedGen C0950123, MeSH D030342.

Allele frequency attached by ClinVar (database versions not stated): TOPMed below 0.00001; gnomAD 0.00001.

Submissions (2):

Ambry Genetics
Classification: Likely benign for Inborn genetic diseases. Last evaluated: 2023-12-04. Review status: criteria provided, single submitter. Criteria: Ambry Variant Classification Scheme 2023. Collection method: clinical testing. Allele origin: germline.

PreventionGenetics, part of Exact Sciences
Classification: Uncertain significance for LEPR-related condition. Last evaluated: 2024-05-31. Review status: no assertion criteria provided. Collection method: clinical testing. Allele origin: germline. Not counted in ClinVar's aggregate classification.
Comment: The LEPR c.317T>C variant is predicted to result in the amino acid substitution p.Ile106Thr. This variant was observed in a cohort of individuals with obesity, and in vitro functional studies showed function similar to wild-type levels (Supplemental Data Set, Shah et al. 2023. PubMed ID: 36864747). This variant has not been reported in gnomAD. At this time, the clinical significance of this variant is uncertain due to the absence of conclusive functional and genetic evidence.

NM_002303.6(LEPR):c.317T>C (p.Ile106Thr)

Gene: LEPR (leptin receptor; plus strand). Cytogenetic location: 1p31.3.
Variant type: single nucleotide variant.
Coding change: c.317T>C on transcript NM_002303.6 (MANE Select); coding-DNA position 317, T replaced by C.
Protein change: p.Ile106Thr; replaces isoleucine 106 with threonine.
Molecular consequence: missense variant.
Genome position (GRCh38, 1-based): chr1:65,570,749, T>C. VCF-style: chr1-65570749-T-C. GRCh37 (hg19) VCF-style: chr1-66036432-T-C.
Other names: c.317T>C, p.Ile106Thr (NM_001003679.3, NM_001003680.3, NM_001198687.2 and 2 more transcripts); short protein forms I106T.
Identifiers: ClinVar variation 3054625 (VCV003054625.3), dbSNP rs767640426, ClinGen allele CA340672931.
Genomic context (GRCh38, chr1:65,570,749, plus strand): 5'-CTTTCCACTGTTGCTTTCGGAGTGAGCAAGATAGAAACTGCTCCTTATGTGCAGACAACA[T>C]TGAAGGAAAGACATTTGTTTCAACAGTAAATTCTTTAGTTTTTCAACAAATAGGTAAGCA-3'
Protein context (NP_002294.2, residues 96-116): DRNCSLCADN[Ile106Thr]EGKTFVSTVN